The following is an entry in ClinVar:

NM_006015.6(ARID1A):c.5257G>A (p.Val1753Met)

Gene: ARID1A (AT-rich interaction domain 1A; plus strand). Cytogenetic location: 1p36.11.
Variant type: single nucleotide variant.
Coding change: c.5257G>A on transcript NM_006015.6 (MANE Select); coding-DNA position 5257, G replaced by A.
Protein change: p.Val1753Met; replaces valine 1753 with methionine.
Molecular consequence: missense variant.
Genome position (GRCh38, 1-based): chr1:26,779,155, G>A. VCF-style: chr1-26779155-G-A. GRCh37 (hg19) VCF-style: chr1-27105646-G-A.
Other names: c.4606G>A, p.Val1536Met (NM_139135.4); short protein forms V1536M, V1753M.
Identifiers: ClinVar variation 3366572 (VCV003366572.1).

ClinVar aggregate classification (germline): Uncertain significance (1 of 4 stars; one submission).

gnomAD v4.1: 3 of 1,595,220 alleles (0.00019%); highest among the groups gnomAD compares: Middle Eastern, 0.017%; no homozygotes.

Submission:

Women's Health and Genetics/Laboratory Corporation of America, LabCorp
Classification: Uncertain significance. Last evaluated: 2024-08-27. Review status: criteria provided, single submitter. Criteria: LabCorp Variant Classification Summary - May 2015. Collection method: clinical testing. Allele origin: germline.
Comment: Variant summary: ARID1A c.5257G>A (p.Val1753Met) results in a conservative amino acid change in the encoded protein sequence. Five of five in-silico tools predict a benign effect of the variant on protein function. The frequency data for this variant in gnomAD is considered unreliable, as metrics indicate poor data quality at this position. To our knowledge, no occurrence of c.5257G>A in individuals affected with Mental Retardation, Autosomal Dominant 14 and no experimental evidence demonstrating its impact on protein function have been reported. No submitters have cited clinical-significance assessments for this variant to ClinVar. Based on the evidence outlined above, the variant was classified as uncertain significance.